The following is an entry in ClinVar:

ClinVar aggregate classification (germline): Uncertain significance (1 of 4 stars; one submission).

Conditions:
Nephronophthisis. Also called: Juvenile Nephronophthisis. Identifiers: Orphanet 655, MedGen C0687120, MONDO:0019005, HP:0000090.

Submission:

Labcorp Genetics (formerly Invitae), Labcorp
Classification: Uncertain significance for Nephronophthisis. Last evaluated: 2022-06-22. Review status: criteria provided, single submitter. Criteria: Invitae Variant Classification Sherloc (09022015). Collection method: clinical testing. Allele origin: germline.
Comment: In summary, the available evidence is currently insufficient to determine the role of this variant in disease. Therefore, it has been classified as a Variant of Uncertain Significance. Algorithms developed to predict the effect of missense changes on protein structure and function are either unavailable or do not agree on the potential impact of this missense change (SIFT: "Deleterious"; PolyPhen-2: "Probably Damaging"; Align-GVGD: "Class C0"). This variant has not been reported in the literature in individuals affected with NPHP3-related conditions. This variant is not present in population databases (gnomAD no frequency). This sequence change replaces leucine, which is neutral and non-polar, with phenylalanine, which is neutral and non-polar, at codon 1186 of the NPHP3 protein (p.Leu1186Phe).

NM_153240.5(NPHP3):c.3558G>T (p.Leu1186Phe)

Genes: NPHP3 (nephrocystin 3; minus strand), NPHP3-ACAD11 (NPHP3-ACAD11 readthrough (NMD candidate); minus strand). Cytogenetic location: 3q22.1.
Variant type: single nucleotide variant.
Coding change: c.3558G>T on transcript NM_153240.5 (MANE Select); coding-DNA position 3558, G replaced by T.
Protein change: p.Leu1186Phe; replaces leucine 1186 with phenylalanine.
Molecular consequence: missense variant. On other transcripts: non-coding transcript variant (1).
Genome position (GRCh38, 1-based): chr3:132,684,566, C>A on the plus strand (G>T on the coding strand, the complement: NPHP3 is on the minus strand). VCF-style: chr3-132684566-C-A. GRCh37 (hg19) VCF-style: chr3-132403410-C-A.
Other names: short protein forms L1186F.
Identifiers: ClinVar variation 2009008 (VCV002009008.4), dbSNP rs1457149516, ClinGen allele CA354578747.